The following is an entry in ClinVar:

ClinVar aggregate classification (germline): Uncertain significance. Review status: criteria provided, multiple submitters, no conflicts (2 of 4 stars). 2 submissions from 2 submitters: Uncertain significance (2). Last evaluated 2026-06-23.

Conditions:
Inborn genetic diseases. Identifiers: MedGen C0950123, MeSH D030342.

Allele frequency attached by ClinVar (database versions not stated): gnomAD exomes below 0.00001; gnomAD 0.00001; TOPMed below 0.00001; ESP Exome Variant Server 0.00008.
gnomAD v4.1: 3 of 1,613,356 alleles (0.00019%); highest among the groups gnomAD compares: African/African-American, 0.0013%; no homozygotes.

Submissions (2):

Ambry Genetics
Classification: Uncertain significance for Inborn genetic diseases. Last evaluated: 2026-06-23. Review status: criteria provided, single submitter. Criteria: Ambry Variant Classification Scheme 2023. Collection method: clinical testing. Allele origin: germline.
Comment: The c.4088G>A (p.R1363Q) alteration is located in exon 25 (coding exon 25) of the CHD3 gene. This alteration results from a G to A substitution at nucleotide position 4088, causing the arginine (R) at amino acid position 1363 to be replaced by a glutamine (Q). Based on data from gnomAD, the A allele has an overall frequency of <0.001% (1/251170) total alleles studied. The highest observed frequency was 0.006% (1/16252) of African alleles. Based on insufficient or conflicting evidence, the clinical significance of this alteration remains unclear.

GeneDx
Classification: Uncertain significance. Last evaluated: 2023-01-13. Review status: criteria provided, single submitter. Criteria: GeneDx Variant Classification Process June 2021. Collection method: clinical testing. Allele origin: germline. Affected: yes.
Comment: In silico analysis supports that this missense variant has a deleterious effect on protein structure/function; Has not been previously published as pathogenic or benign to our knowledge

NM_001005273.3(CHD3):c.3911G>A (p.Arg1304Gln)

Gene: CHD3 (chromodomain helicase DNA binding protein 3; plus strand). Cytogenetic location: 17p13.1.
Variant type: single nucleotide variant.
Coding change: c.3911G>A on transcript NM_001005273.3 (MANE Select); coding-DNA position 3911, G replaced by A.
Protein change: p.Arg1304Gln; replaces arginine 1304 with glutamine.
Molecular consequence: missense variant.
Genome position (GRCh38, 1-based): chr17:7,904,458, G>A. VCF-style: chr17-7904458-G-A. GRCh37 (hg19) VCF-style: chr17-7807776-G-A.
Other names: c.4088G>A, p.Arg1363Gln (NM_001005271.3); c.3911G>A, p.Arg1304Gln (NM_005852.4); short protein forms R1304Q, R1363Q.
Identifiers: ClinVar variation 2572886 (VCV002572886.2), dbSNP rs138752707, ClinGen allele CA287496250.